The following is an entry in ClinVar:

NM_181486.4(TBX5):c.511-1del

Gene: TBX5 (T-box transcription factor 5; minus strand). Cytogenetic location: 12q24.21.
Variant type: Deletion.
Coding change: c.511-1del on transcript NM_181486.4 (MANE Select); the canonical splice acceptor site of the intron before coding-DNA position 511, one base deleted (G; older notation c.511-1delG).
Molecular consequence: splice acceptor variant.
Genome position (GRCh38, 1-based): chr12:114,394,894, C deleted on the plus strand (G on the coding strand, the reverse complement: TBX5 is on the minus strand). VCF-style (leftmost placement, unchanged base first): chr12-114394893-TC-T. GRCh37 (hg19) VCF-style: chr12-114832698-TC-T.
Other names: c.361-1del (NM_080717.4); c.511-1del (NM_000192.3).
Identifiers: ClinVar variation 2773267 (VCV002773267.3), dbSNP rs2540467182, ClinGen allele CA2697551540.

ClinVar aggregate classification (germline): Likely pathogenic (1 of 4 stars; one submission).

Conditions:
Aortic valve disease 2 (AOVD2). Identifiers: MedGen C3542024, MONDO:0013902, OMIM 614823.

Submission:

Labcorp Genetics (formerly Invitae), Labcorp
Classification: Likely pathogenic for Aortic valve disease 2. Last evaluated: 2024-04-15. Review status: criteria provided, single submitter. Criteria: Invitae Variant Classification Sherloc (09022015). Collection method: clinical testing. Allele origin: germline.
Comment: This sequence change affects a splice site in intron 5 of the TBX5 gene. It is expected to disrupt RNA splicing. Variants that disrupt the donor or acceptor splice site typically lead to a loss of protein function (PMID: 16199547), and loss-of-function variants in TBX5 are known to be pathogenic (PMID: 16183809, 16917909). This variant is not present in population databases (gnomAD no frequency). Disruption of this splice site has been observed in individual(s) with Holt-Oram syndrome (Invitae). Algorithms developed to predict the effect of sequence changes on RNA splicing suggest that this variant may disrupt the consensus splice site. In summary, the currently available evidence indicates that the variant is pathogenic, but additional data are needed to prove that conclusively. Therefore, this variant has been classified as Likely Pathogenic.

Literature cited by the submitters: PubMed 16199547; PubMed 16183809; PubMed 16917909.